The following is an entry in ClinVar:

NM_207037.2(TCF12):c.1948G>C (p.Val650Leu)

Gene: TCF12 (transcription factor 12; plus strand). Cytogenetic location: 15q21.3.
Variant type: single nucleotide variant.
Coding change: c.1948G>C on transcript NM_207037.2 (MANE Select); coding-DNA position 1948, G replaced by C.
Protein change: p.Val650Leu; replaces valine 650 with leucine.
Molecular consequence: missense variant.
Genome position (GRCh38, 1-based): chr15:57,273,232, G>C. VCF-style: chr15-57273232-G-C. GRCh37 (hg19) VCF-style: chr15-57565430-G-C.
Other names: c.1438G>C, p.Val480Leu (NM_001306219.3); c.1168G>C, p.Val390Leu (NM_001306220.3); c.1948G>C, p.Val650Leu (NM_001322151.2, NM_001322159.3, NM_001322162.2 and 1 more transcripts); c.1945G>C, p.Val649Leu (NM_001322152.2, NM_001322161.2); c.1291G>C, p.Val431Leu (NM_001322154.2); c.1774G>C, p.Val592Leu (NM_001322156.2); c.1876G>C, p.Val626Leu (NM_001322157.3, NM_001322165.2, NM_003205.4 and 1 more transcripts); c.1702G>C, p.Val568Leu (NM_001322158.2); and 2 more; short protein forms V390L, V431L, V456L, V480L, V568L, V592L, V626L, V638L.
Identifiers: ClinVar variation 3343898 (VCV003343898.2).

ClinVar aggregate classification (germline): Uncertain significance (1 of 4 stars; one submission).

Submission:

GeneDx
Classification: Uncertain significance. Last evaluated: 2025-03-30. Review status: criteria provided, single submitter. Criteria: GeneDx Variant Classification Process June 2021. Collection method: clinical testing. Allele origin: germline.
Comment: Not observed at significant frequency in large population cohorts (gnomAD); In silico analysis supports that this missense variant has a deleterious effect on protein structure/function; Has not been previously published as pathogenic or benign to our knowledge